The following is an entry in ClinVar:

ClinVar aggregate classification (germline): Uncertain significance (0 of 4 stars; one submission).

Conditions:
KARS1-related disorder. Also called: KARS1-related disorders.

Allele frequency attached by ClinVar (database versions not stated): gnomAD exomes below 0.00001.
gnomAD v4.1: 6 of 1,614,080 alleles (0.00037%); highest among the groups gnomAD compares: East Asian, 0.0022%; no homozygotes.

Submission:

PreventionGenetics, part of Exact Sciences
Classification: Uncertain significance for KARS1-related condition. Last evaluated: 2023-12-11. Review status: no assertion criteria provided. Collection method: clinical testing. Allele origin: germline.
Comment: The KARS1 c.1742G>A variant is predicted to result in the amino acid substitution p.Arg581Gln. This variant was reported in the compound heterozygous state in an individual with developmental delay, regression, seizures, spasticity, visual impairment, absent speech, and leukodystrophy (Lin et al. 2021. PubMed ID: 34172899, supplementary data). This variant has not been reported in a large population database, indicating this variant is rare. At this time, the clinical significance of this variant is uncertain due to the absence of conclusive functional and genetic evidence.

NM_005548.3(KARS1):c.1658G>A (p.Arg553Gln)

Gene: KARS1 (lysyl-tRNA synthetase 1; minus strand). Cytogenetic location: 16q23.1.
Variant type: single nucleotide variant.
Coding change: c.1658G>A on transcript NM_005548.3 (MANE Select); coding-DNA position 1658, G replaced by A.
Protein change: p.Arg553Gln; replaces arginine 553 with glutamine.
Molecular consequence: missense variant.
Genome position (GRCh38, 1-based): chr16:75,628,606, C>T on the plus strand (G>A on the coding strand, the complement: KARS1 is on the minus strand). VCF-style: chr16-75628606-C-T. GRCh37 (hg19) VCF-style: chr16-75662504-C-T.
Other names: c.1742G>A, p.Arg581Gln (NM_001130089.2); c.1190G>A, p.Arg397Gln (NM_001378148.1); short protein forms R397Q, R553Q, R581Q.
Identifiers: ClinVar variation 3042303 (VCV003042303.2), dbSNP rs2082076841, ClinGen allele CA396809555.
Genomic context (GRCh38, chr16:75,628,606, plus strand): 5'-CTCTGTGGAGGGTTGCTACGTACCTTGATGTTGTTGGAGTCCGTGAGAAACATGGCGACT[C>T]GATCAATGCCCATGCCCCAGCCAGCTGTGGGGGGCAGCCCATATTCCAGGGCAGTACAGA-3'
Protein context (NP_005539.1, residues 543-563): PTAGWGMGID[Arg553Gln]VAMFLTDSNN